The following is an entry in ClinVar:

ClinVar aggregate classification (germline): Benign/Likely benign. Review status: criteria provided, multiple submitters, no conflicts (2 of 4 stars). 5 submissions from 5 submitters: Benign (3); Likely benign (2). Last evaluated 2026-01-19.

Conditions:
3M syndrome 2. Also called: 3-M Syndrome, OBSL1-Related; THREE M SYNDROME 2. Identifiers: Orphanet 2616, MedGen C2752041, MONDO:0013039, OMIM 612921.

Allele frequency attached by ClinVar (database versions not stated): gnomAD exomes 0.00034 and 0.00084; ExAC 0.00138; ESP Exome Variant Server 0.00259; gnomAD 0.00310 and 0.00336; TOPMed 0.00345; 1000 Genomes Project 0.00379; 1000 Genomes Project 30x 0.00406.
gnomAD v4.1: 1,016 of 1,587,782 alleles (0.064%); highest among the groups gnomAD compares: African/African-American, 0.95%; 7 homozygotes.

Submissions (5):

Labcorp Genetics (formerly Invitae), Labcorp
Classification: Benign. Last evaluated: 2026-01-19. Review status: criteria provided, single submitter. Criteria: Invitae Variant Classification Sherloc (09022015). Collection method: clinical testing. Allele origin: germline.

Genomic Medicine Center of Excellence, King Faisal Specialist Hospital and Research Centre
Classification: Likely benign. Last evaluated: 2025-08-18. Review status: criteria provided, single submitter. Criteria: ACMG Guidelines, 2015. Collection method: clinical testing. Allele origin: germline.

Blueprint Genetics
Classification: Likely benign. Last evaluated: 2024-11-21. Review status: criteria provided, single submitter. Criteria: ACMG Guidelines, 2015. Collection method: clinical testing. Allele origin: germline.

Illumina Laboratory Services, Illumina
Classification: Benign for 3M syndrome 2. Last evaluated: 2018-01-13. Review status: criteria provided, single submitter. Criteria: ICSL Variant Classification Criteria 13 December 2019. Collection method: clinical testing. Allele origin: germline.
Comment: This variant was observed in the ICSL laboratory as part of a predisposition screen in an ostensibly healthy population. It had not been previously curated by ICSL or reported in the Human Gene Mutation Database (HGMD: prior to June 1st, 2018), and was therefore a candidate for classification through an automated scoring system. Utilizing variant allele frequency, disease prevalence and penetrance estimates, and inheritance mode, an automated score was calculated to assess if this variant is too frequent to cause the disease. Based on the score and internal cut-off values, a variant classified as benign is not then subjected to further curation. The score for this variant resulted in a classification of benign for this disease.

Breakthrough Genomics
Classification: Benign. Review status: criteria provided, single submitter. Criteria: ACMG Guidelines, 2015. Collection method: not provided. Allele origin: germline. Inheritance: Autosomal recessive inheritance. Affected: yes.

NM_015311.3(OBSL1):c.4067-12C>T

Gene: OBSL1 (obscurin like cytoskeletal adaptor 1; minus strand). Cytogenetic location: 2q35.
Variant type: single nucleotide variant.
Coding change: c.4067-12C>T on transcript NM_015311.3 (MANE Select); 12 bases into the intron before coding-DNA position 4067, C replaced by T.
Molecular consequence: intron variant.
Genome position (GRCh38, 1-based): chr2:219,556,735, G>A on the plus strand (C>T on the coding strand, the complement: OBSL1 is on the minus strand). VCF-style: chr2-219556735-G-A. GRCh37 (hg19) VCF-style: chr2-220421457-G-A.
Other names: c.4067-12C>T (NM_001173431.2).
Identifiers: ClinVar variation 334486 (VCV000334486.17), dbSNP rs144059707, ClinGen allele CA2130673.